The following is an entry in ClinVar:

ClinVar aggregate classification (germline): Uncertain significance (1 of 4 stars; one submission).

Allele frequency attached by ClinVar (database versions not stated): gnomAD 0.00001; TOPMed 0.00002.
gnomAD v4.1: 3 of 1,536,904 alleles (0.0002%); highest among the groups gnomAD compares: Non-Finnish European, 0.00026%; no homozygotes.

Submission:

Labcorp Genetics (formerly Invitae), Labcorp
Classification: Uncertain significance. Last evaluated: 2023-03-27. Review status: criteria provided, single submitter. Criteria: Invitae Variant Classification Sherloc (09022015). Collection method: clinical testing. Allele origin: germline.
Comment: In summary, the available evidence is currently insufficient to determine the role of this variant in disease. Therefore, it has been classified as a Variant of Uncertain Significance. This sequence change affects codon 100 of the KCNK4 mRNA. It is a 'silent' change, meaning that it does not change the encoded amino acid sequence of the KCNK4 protein. This variant is not present in population databases (gnomAD no frequency). This variant has not been reported in the literature in individuals affected with KCNK4-related conditions. ClinVar contains an entry for this variant (Variation ID: 2176378). Algorithms developed to predict the effect of sequence changes on RNA splicing suggest that this variant may disrupt the consensus splice site.

NM_033310.3(KCNK4):c.300C>T (p.Ile100=)

Genes: KCNK4 (potassium two pore domain channel subfamily K member 4; plus strand), KCNK4-CATSPERZ (KCNK4-CATSPERZ readthrough (NMD candidate); plus strand). Cytogenetic location: 11q13.1.
Variant type: single nucleotide variant.
Coding change: c.300C>T on transcript NM_033310.3 (MANE Select); coding-DNA position 300, C replaced by T.
Protein change: p.Ile100=; no amino-acid change (isoleucine 100 retained).
Molecular consequence: synonymous variant. On other transcripts: non-coding transcript variant (3).
Genome position (GRCh38, 1-based): chr11:64,296,988, C>T. VCF-style: chr11-64296988-C-T. GRCh37 (hg19) VCF-style: chr11-64064460-C-T.
Other names: c.300C>T, p.Ile100= (NM_001317090.2, NM_033311.1).
Identifiers: ClinVar variation 2176378 (VCV002176378.4), dbSNP rs763746881, ClinGen allele CA223878027.